The following is an entry in ClinVar:

ClinVar aggregate classification (germline): Pathogenic (1 of 4 stars; one submission).

Conditions:
GM1 gangliosidosis. Identifiers: Orphanet 354, MedGen C0085131, MONDO:0018149.
Mucopolysaccharidosis, MPS-IV-B (MPS4B). Also called: MORQUIO SYNDROME B; Mucopolysaccharidosis Type IVB (Morquio B Disease); Mucopolysaccharidosis type IV B; Mucopolysaccharidosis Type IVB; Mucopolysaccharidosis type 4B; Mucopolysaccharidosis type IVB (Morquio). Identifiers: Orphanet 309310, Orphanet 582, MedGen C0086652, MONDO:0009660, OMIM 253010.

Submission:

Labcorp Genetics (formerly Invitae), Labcorp
Classification: Pathogenic for Mucopolysaccharidosis, MPS-IV-B; GM1 gangliosidosis. Last evaluated: 2022-06-17. Review status: criteria provided, single submitter. Criteria: Invitae Variant Classification Sherloc (09022015). Collection method: clinical testing. Allele origin: germline.
Comment: For these reasons, this variant has been classified as Pathogenic. This variant has not been reported in the literature in individuals affected with GLB1-related conditions. This variant is not present in population databases (gnomAD no frequency). This sequence change creates a premature translational stop signal (p.Asp332Leufs*2) in the GLB1 gene. It is expected to result in an absent or disrupted protein product. Loss-of-function variants in GLB1 are known to be pathogenic (PMID: 18524657).

Literature cited by the submitters: PubMed 18524657.

NM_000404.4(GLB1):c.994_995del (p.Asp332fs)

Gene: GLB1 (galactosidase beta 1; minus strand). Cytogenetic location: 3p22.3.
Variant type: Deletion.
Coding change: c.994_995del on transcript NM_000404.4 (MANE Select); coding-DNA positions 994 to 995, 2 bases deleted (GA; older notation c.994_995delGA).
Protein change: p.Asp332fs; shifts the reading frame from aspartic acid 332.
Molecular consequence: frameshift variant.
Genome position (GRCh38, 1-based): chr3:33,046,193-33,046,194, TC deleted on the plus strand (GA on the coding strand, the reverse complement: GLB1 is on the minus strand). VCF-style (leftmost placement, unchanged base first): chr3-33046192-GTC-G. GRCh37 (hg19) VCF-style: chr3-33087684-GTC-G.
Other names: c.904_905del, p.Asp302fs (NM_001079811.3); c.601_602del, p.Asp201fs (NM_001135602.3); c.1138_1139del, p.Asp380fs (NM_001317040.2); c.994_995del, p.Asp332fs (NM_001393580.1); short protein forms D302fs, D332fs, D380fs, D201fs.
Identifiers: ClinVar variation 2007683 (VCV002007683.4), dbSNP rs2471354479, ClinGen allele CA2580069250.